The following is an entry in ClinVar:

NM_000687.4(AHCY):c.739A>G (p.Ile247Val)

Gene: AHCY (adenosylhomocysteinase; minus strand). Cytogenetic location: 20q11.22.
Variant type: single nucleotide variant.
Coding change: c.739A>G on transcript NM_000687.4 (MANE Select); coding-DNA position 739, A replaced by G.
Protein change: p.Ile247Val; replaces isoleucine 247 with valine.
Molecular consequence: missense variant.
Genome position (GRCh38, 1-based): chr20:34,290,758, T>C on the plus strand (A>G on the coding strand, the complement: AHCY is on the minus strand). VCF-style: chr20-34290758-T-C. GRCh37 (hg19) VCF-style: chr20-32878564-T-C.
Other names: c.655A>G, p.Ile219Val (NM_001161766.2, NM_001322084.2, NM_001322085.2); c.745A>G, p.Ile249Val (NM_001322086.2); c.739A>G, p.Ile247Val (NM_001362750.2); short protein forms I219V, I247V, I249V.
Identifiers: ClinVar variation 1334626 (VCV001334626.4), dbSNP rs371055374, ClinGen allele CA9820908.

ClinVar aggregate classification (germline): Uncertain significance (1 of 4 stars; one submission).

Allele frequency attached by ClinVar (database versions not stated): ExAC 0.00002; gnomAD exomes 0.00002 and 0.00004; gnomAD 0.00005; TOPMed 0.00005; ESP Exome Variant Server 0.00008.

Submission:

Greenwood Genetic Center Diagnostic Laboratories, Greenwood Genetic Center
Classification: Uncertain significance. Last evaluated: 2021-10-14. Review status: criteria provided, single submitter. Criteria: ACMG Guidelines, 2015. Collection method: clinical testing. Allele origin: germline. Affected: yes.
Comment: PM2